The following is an entry in ClinVar:

ClinVar aggregate classification (germline): Uncertain significance (1 of 4 stars; one submission).

Submission:

Women's Health and Genetics/Laboratory Corporation of America, LabCorp
Classification: Uncertain significance. Last evaluated: 2025-04-10. Review status: criteria provided, single submitter. Criteria: LabCorp Variant Classification Summary - May 2015. Collection method: clinical testing. Allele origin: germline.
Comment: Variant summary: CLCNKB c.1052G>C (p.Arg351Pro) results in a non-conservative amino acid change in the encoded protein sequence. Five of five in-silico tools predict a damaging effect of the variant on protein function. Consensus agreement among computation tools predict no significant impact on normal splicing. However, these predictions have yet to be confirmed by functional studies. The variant was absent in 251062 control chromosomes. c.1052G>C has been observed in at-least one individual affected with Bartter Syndrome, Type 3 (example: Keck_2013). These data do not allow any conclusion about variant significance. At least one publication reports experimental evidence that the variant affects normal function of the protein (example: Keck_2013). The following publication has been ascertained in the context of this evaluation (PMID: 23703872). No submitters have cited clinical-significance assessments for this variant to ClinVar. Based on the evidence outlined above, the variant was classified as VUS-possibly pathogenic.

Literature cited by the submitters: PubMed 23703872.

NM_000085.5(CLCNKB):c.1052G>C (p.Arg351Pro)

Genes: CLCNKB (chloride voltage-gated channel Kb; plus strand), LOC106501713 (CLCNKB recombination region; plus strand). Cytogenetic location: 1p36.13.
Variant type: single nucleotide variant.
Coding change: c.1052G>C on transcript NM_000085.5 (MANE Select); coding-DNA position 1052, G replaced by C.
Protein change: p.Arg351Pro; replaces arginine 351 with proline.
Molecular consequence: missense variant.
Genome position (GRCh38, 1-based): chr1:16,050,599, G>C. VCF-style: chr1-16050599-G-C. GRCh37 (hg19) VCF-style: chr1-16377094-G-C.
Other names: c.545G>C, p.Arg182Pro (NM_001165945.2); short protein forms R182P, R351P.
Identifiers: ClinVar variation 3896342 (VCV003896342.2).
Genomic context (GRCh38, chr1:16,050,599, plus strand): 5'-CCACCTTGGTTCTCGCCTCCATCACCTACCCACCCAGCGCCGGCCGCTTCCTAGCTTCTC[G>C]GGTAAGGGGCCTTGAGTGGGGTGGCAGGAGTGGGGAAGCCCTATTTGTTGCCTCCTTTGC-3'
Protein context (NP_000076.2, residues 341-361): PPSAGRFLAS[Arg351Pro]LSMKQHLDSL